The following is an entry in ClinVar:

NM_019842.4(KCNQ5):c.116T>C (p.Val39Ala)

Genes: KCNQ5 (potassium voltage-gated channel subfamily Q member 5; plus strand), KCNQ5-DT (KCNQ5 divergent transcript; minus strand), LOC129996711 (ATAC-STARR-seq lymphoblastoid silent region 17329; plus strand). Cytogenetic location: 6q13.
Variant type: single nucleotide variant.
Coding change: c.116T>C on transcript NM_019842.4 (MANE Select); coding-DNA position 116, T replaced by C.
Protein change: p.Val39Ala; replaces valine 39 with alanine.
Molecular consequence: missense variant.
Genome position (GRCh38, 1-based): chr6:72,622,305, T>C. VCF-style: chr6-72622305-T-C. GRCh37 (hg19) VCF-style: chr6-73332033-T-C.
Other names: c.116T>C, p.Val39Ala (NM_001160130.2, NM_001160132.2, NM_001160133.2 and 1 more transcripts); short protein forms V39A.
Identifiers: ClinVar variation 1310055 (VCV001310055.6), dbSNP rs754377832, ClinGen allele CA141452114.

ClinVar aggregate classification (germline): Uncertain significance. Review status: criteria provided, multiple submitters, no conflicts (2 of 4 stars). 2 submissions from 2 submitters: Uncertain significance (2). Last evaluated 2024-09-14.

Allele frequency attached by ClinVar (database versions not stated): gnomAD 0.00001; TOPMed 0.00001; 1000 Genomes Project 30x 0.00016.

Submissions (2):

Labcorp Genetics (formerly Invitae), Labcorp
Classification: Uncertain significance. Last evaluated: 2024-09-14. Review status: criteria provided, single submitter. Criteria: Invitae Variant Classification Sherloc (09022015). Collection method: clinical testing. Allele origin: germline.
Comment: This sequence change replaces valine, which is neutral and non-polar, with alanine, which is neutral and non-polar, at codon 39 of the KCNQ5 protein (p.Val39Ala). This variant is not present in population databases (gnomAD no frequency). This variant has not been reported in the literature in individuals affected with KCNQ5-related conditions. ClinVar contains an entry for this variant (Variation ID: 1310055). Invitae Evidence Modeling of protein sequence and biophysical properties (such as structural, functional, and spatial information, amino acid conservation, physicochemical variation, residue mobility, and thermodynamic stability) indicates that this missense variant is not expected to disrupt KCNQ5 protein function with a negative predictive value of 95%. In summary, the available evidence is currently insufficient to determine the role of this variant in disease. Therefore, it has been classified as a Variant of Uncertain Significance.

GeneDx
Classification: Uncertain significance. Last evaluated: 2019-11-20. Review status: criteria provided, single submitter. Criteria: GeneDx Variant Classification Process June 2021. Collection method: clinical testing. Allele origin: germline. Affected: yes.
Comment: Not observed in large population cohorts (Lek et al., 2016); In silico analysis, which includes protein predictors and evolutionary conservation, supports that this variant does not alter protein structure/function; Has not been previously published as pathogenic or benign to our knowledge